The following is an entry in ClinVar:

ClinVar aggregate classification (germline): Uncertain significance (1 of 4 stars; one submission).

Conditions:
Gastrointestinal stromal tumor. Also called: Gastrointestinal stroma tumor; Gastrointestinal stromal tumor, somatic. Identifiers: Orphanet 44890, MedGen C0238198, MeSH D046152, MONDO:0011719, OMIM 606764, HP:0100723.

Submission:

Labcorp Genetics (formerly Invitae), Labcorp
Classification: Uncertain significance for Gastrointestinal stromal tumor. Last evaluated: 2019-10-13. Review status: criteria provided, single submitter. Criteria: Invitae Variant Classification Sherloc (09022015). Collection method: clinical testing. Allele origin: germline.
Comment: In summary, the available evidence is currently insufficient to determine the role of this variant in disease. Therefore, it has been classified as a Variant of Uncertain Significance. The current clinical and genetic evidence is not sufficient to establish whether loss-of-function variants in PDGFRA cause disease. This variant has not been reported in the literature in individuals with PDGFRA-related conditions. This variant is not present in population databases (ExAC no frequency). This sequence change creates a premature translational stop signal (p.Leu18Alafs*17) in the PDGFRA gene. It is expected to result in an absent or disrupted protein product.

NC_000004.12:g.54261096dup

Gene: PDGFRA (platelet derived growth factor receptor alpha; plus strand). Cytogenetic location: 4q12.
Variant type: Duplication.
Genome position: GRCh38 VCF-style: chr4-54261093-A-AG. GRCh37 (hg19) VCF-style: chr4-55127260-A-AG.
Identifiers: ClinVar variation 954505 (VCV000954505.9), dbSNP rs1722675453, ClinGen allele CA1139658495.